The following is an entry in ClinVar:

ClinVar aggregate classification (germline): Likely benign. Review status: criteria provided, multiple submitters, no conflicts (2 of 4 stars). 3 submissions from 3 submitters: Likely benign (3). Last evaluated 2024-10-28.

Conditions:
Cardiovascular phenotype. Identifiers: MedGen CN230736.
Dilated cardiomyopathy 1G (CMD1G). Identifiers: Orphanet 154, MedGen C1858763, MONDO:0011400, OMIM 604145.
Autosomal recessive limb-girdle muscular dystrophy type 2J (LGMDR10). Also called: Limb-girdle muscular dystrophy, type 2J; MUSCULAR DYSTROPHY, LIMB-GIRDLE, AUTOSOMAL RECESSIVE 10. Identifiers: Orphanet 140922, MedGen C1837342, MONDO:0012127, OMIM 608807.

Allele frequency attached by ClinVar (database versions not stated): gnomAD exomes below 0.00001; TOPMed 0.00001.
gnomAD v4.1: 3 of 1,613,618 alleles (0.00019%); highest among the groups gnomAD compares: South Asian, 0.0011%; no homozygotes.

Submissions (3):

Ambry Genetics
Classification: Likely benign for Cardiovascular phenotype. Last evaluated: 2024-10-28. Review status: criteria provided, single submitter. Criteria: Ambry Variant Classification Scheme 2023. Collection method: clinical testing. Allele origin: germline.

Labcorp Genetics (formerly Invitae), Labcorp
Classification: Likely benign for Dilated cardiomyopathy 1G; Autosomal recessive limb-girdle muscular dystrophy type 2J. Last evaluated: 2022-06-15. Review status: criteria provided, single submitter. Criteria: Invitae Variant Classification Sherloc (09022015). Collection method: clinical testing. Allele origin: germline.

GeneDx
Classification: Likely benign. Last evaluated: 2016-05-19. Review status: criteria provided, single submitter. Criteria: GeneDx Variant Classification (06012015). Collection method: clinical testing. Allele origin: germline. Affected: yes.
Comment: This variant is considered likely benign or benign based on one or more of the following criteria: it is a conservative change, it occurs at a poorly conserved position in the protein, it is predicted to be benign by multiple in silico algorithms, and/or has population frequency not consistent with disease.

NM_001267550.2(TTN):c.79101T>C (p.Tyr26367=)

Genes: TTN-AS1 (TTN antisense RNA 1; plus strand), TTN (titin; minus strand). Cytogenetic location: 2q31.2.
Variant type: single nucleotide variant.
Coding change: c.79101T>C on transcript NM_001267550.2 (MANE Select); coding-DNA position 79101, T replaced by C.
Protein change: p.Tyr26367=; no amino-acid change (tyrosine 26367 retained).
Molecular consequence: synonymous variant.
Genome position (GRCh38, 1-based): chr2:178,567,031, A>G on the plus strand (T>C on the coding strand, the complement: TTN is on the minus strand). VCF-style: chr2-178567031-A-G. GRCh37 (hg19) VCF-style: chr2-179431758-A-G.
Other names: c.74178T>C, p.Tyr24726= (NM_001256850.1); c.51906T>C, p.Tyr17302= (NM_003319.4); c.71397T>C, p.Tyr23799= (NM_133378.4); c.52281T>C, p.Tyr17427= (NM_133432.3); c.52482T>C, p.Tyr17494= (NM_133437.4).
Identifiers: ClinVar variation 385712 (VCV000385712.10), dbSNP rs1057522307, ClinGen allele CA16604105.
Genomic context (GRCh38, chr2:178,567,031, plus strand): 5'-AGGAAGCACAAATGGATTTTTCATTAGTACTGGTGCAGATTCCAAAGGCTCTCCAACACC[A>G]TATTTGTTGACAGCCATTATACGGAAAACATATTCATTACCTTCTAAGAGTTTGGTAACT-3'
Protein context (NP_001254479.2, residues 26357-26377): YVFRIMAVNK[Tyr26367=]GVGEPLESAP